The following is an entry in ClinVar:

NM_000059.4(BRCA2):c.6954A>G (p.Arg2318=)

Gene: BRCA2 (BRCA2 DNA repair associated; plus strand). Cytogenetic location: 13q13.1.
Variant type: single nucleotide variant.
Coding change: c.6954A>G on transcript NM_000059.4 (MANE Select); coding-DNA position 6954, A replaced by G.
Protein change: p.Arg2318=; no amino-acid change (arginine 2318 retained).
Molecular consequence: synonymous variant.
Genome position (GRCh38, 1-based): chr13:32,346,843, A>G. VCF-style: chr13-32346843-A-G. GRCh37 (hg19) VCF-style: chr13-32920980-A-G.
Identifiers: ClinVar variation 481102 (VCV000481102.17), dbSNP rs1555285337, ClinGen allele CA483275747.
Genomic context (GRCh38, chr13:32,346,843, plus strand): 5'-CTTAGATTTTAACTAATATGTAATATAAAATAATTGTTTCCTAGGCACAATAAAAGATCG[A>G]AGATTGTTTATGCATCATGTTTCTTTAGAGCCGATTACCTGTGTACCCTTTCGGTAAGAC-3'
Protein context (NP_000050.3, residues 2308-2328): KSTPDGTIKD[Arg2318=]RLFMHHVSLE

ClinVar aggregate classification (germline): Likely benign. Review status: criteria provided, multiple submitters, no conflicts (2 of 4 stars). 5 submissions from 5 submitters: Likely benign (5). Last evaluated 2024-12-06.

Conditions:
Hereditary cancer-predisposing syndrome. Also called: Hereditary Cancer Syndrome; Neoplastic Syndromes, Hereditary; Tumor predisposition; Hereditary neoplastic syndrome. Identifiers: Orphanet 140162, MedGen C0027672, MeSH D009386, MONDO:0015356.
BRCA2-related cancer predisposition. Identifiers: MedGen CN377758, MONDO:0700269.
Hereditary breast ovarian cancer syndrome. Also called: Hereditary breast and ovarian cancer syndrome; Hereditary breast and ovarian cancer; Hereditary breast and ovarian cancer syndrome (HBOC); Breast and ovarian cancer; Hereditary breast and/or ovarian cancer syndrome; BRCA1- and BRCA2-Associated Hereditary Breast and Ovarian Cancer. Identifiers: Orphanet 145, MedGen C0677776, MeSH D061325, MONDO:0003582. Disease mechanism: loss of function.

Submissions (5):

Women's Health and Genetics/Laboratory Corporation of America, LabCorp
Classification: Likely benign. Last evaluated: 2024-12-06. Review status: criteria provided, single submitter. Criteria: LabCorp Variant Classification Summary - May 2015. Collection method: clinical testing. Allele origin: germline.

Labcorp Genetics (formerly Invitae), Labcorp
Classification: Likely benign for Hereditary breast ovarian cancer syndrome. Last evaluated: 2024-11-04. Review status: criteria provided, single submitter. Criteria: Invitae Variant Classification Sherloc (09022015). Collection method: clinical testing. Allele origin: germline.

All of Us Research Program, National Institutes of Health
Classification: Likely benign for BRCA2-related cancer predisposition. Last evaluated: 2024-07-29. Review status: criteria provided, single submitter. Criteria: ACMG Guidelines, 2015. Collection method: clinical testing. Allele origin: germline. Inheritance: Autosomal dominant inheritance. Observed: 1 variant allele, 1 heterozygote.
Comment: This study involves interpretation of variants in research participants for the purpose of population health screening. Participant phenotype was not available at the time of variant classification. Additional details can be found in publication PMID: 35346344, PMCID: PMC8962531

Color Diagnostics, LLC DBA Color Health
Classification: Likely benign for Hereditary cancer-predisposing syndrome. Last evaluated: 2024-07-16. Review status: criteria provided, single submitter. Criteria: ACMG Guidelines, 2015. Collection method: clinical testing. Allele origin: germline.

Ambry Genetics
Classification: Likely benign for Hereditary cancer-predisposing syndrome. Last evaluated: 2016-10-27. Review status: criteria provided, single submitter. Criteria: Ambry Variant Classification Scheme 2023. Collection method: clinical testing. Allele origin: germline.

Literature cited by the submitters: PubMed 14973102 (cited by Women's Health and Genetics/Laboratory Corporation of America, LabCorp).